The following is an entry in ClinVar:

NM_025082.4(CENPT):c.377G>A (p.Ser126Asn)

Gene: CENPT (centromere protein T; minus strand). Cytogenetic location: 16q22.1.
Variant type: single nucleotide variant.
Coding change: c.377G>A on transcript NM_025082.4 (MANE Select); coding-DNA position 377, G replaced by A.
Protein change: p.Ser126Asn; replaces serine 126 with asparagine.
Molecular consequence: missense variant.
Genome position (GRCh38, 1-based): chr16:67,832,021, C>T on the plus strand (G>A on the coding strand, the complement: CENPT is on the minus strand). VCF-style: chr16-67832021-C-T. GRCh37 (hg19) VCF-style: chr16-67865924-C-T.
Other names: short protein forms S126N.
Identifiers: ClinVar variation 3053144 (VCV003053144.2), dbSNP rs183190026, ClinGen allele CA8117914.

ClinVar aggregate classification (germline): Likely benign (0 of 4 stars; one submission).

Conditions:
CENPT-related disorder. Also called: CENPT-related condition.

Allele frequency attached by ClinVar (database versions not stated): 1000 Genomes Project 30x 0.00047; 1000 Genomes Project 0.00060; ExAC 0.00115; TOPMed 0.00134; gnomAD 0.00135; ESP Exome Variant Server 0.00146; gnomAD exomes 0.00246.

Submission:

PreventionGenetics, part of Exact Sciences
Classification: Likely benign for CENPT-related condition. Last evaluated: 2023-05-02. Review status: no assertion criteria provided. Collection method: clinical testing. Allele origin: germline.
Comment: This variant is classified as likely benign based on ACMG/AMP sequence variant interpretation guidelines (Richards et al. 2015 PMID: 25741868, with internal and published modifications).